The following is an entry in ClinVar:

ClinVar aggregate classification (germline): Uncertain significance (1 of 4 stars; one submission).

Conditions:
Pure or complex autosomal recessive spastic paraplegia. Identifiers: Orphanet 320346, MedGen C5679887, MONDO:0017915.

Submission:

Labcorp Genetics (formerly Invitae), Labcorp
Classification: Uncertain significance for Pure or complex autosomal recessive spastic paraplegia. Last evaluated: 2023-12-12. Review status: criteria provided, single submitter. Criteria: Invitae Variant Classification Sherloc (09022015). Collection method: clinical testing. Allele origin: germline.
Comment: This sequence change replaces leucine, which is neutral and non-polar, with valine, which is neutral and non-polar, at codon 981 of the ZFR protein (p.Leu981Val). This variant is not present in population databases (gnomAD no frequency). This variant has not been reported in the literature in individuals affected with ZFR-related conditions. Experimental studies and prediction algorithms are not available or were not evaluated, and the functional significance of this variant is currently unknown. In summary, the available evidence is currently insufficient to determine the role of this variant in disease. Therefore, it has been classified as a Variant of Uncertain Significance.

NM_016107.5(ZFR):c.2941C>G (p.Leu981Val)

Gene: ZFR (zinc finger RNA binding protein; minus strand). Cytogenetic location: 5p13.3.
Variant type: single nucleotide variant.
Coding change: c.2941C>G on transcript NM_016107.5 (MANE Select); coding-DNA position 2941, C replaced by G.
Protein change: p.Leu981Val; replaces leucine 981 with valine.
Molecular consequence: missense variant. On other transcripts: non-coding transcript variant (1).
Genome position (GRCh38, 1-based): chr5:32,364,170, G>C on the plus strand (C>G on the coding strand, the complement: ZFR is on the minus strand). VCF-style: chr5-32364170-G-C. GRCh37 (hg19) VCF-style: chr5-32364276-G-C.
Other names: short protein forms L981V.
Identifiers: ClinVar variation 2761895 (VCV002761895.3), dbSNP rs2478285529, ClinGen allele CA359346380.
Genomic context (GRCh38, chr5:32,364,170, plus strand): 5'-ACCAGCAAATGAGTAAACTTCATTTTACTTCATTAAAAACAAAGTAAGAGTTACCTTTAA[G>C]AATAATCCCTGAAGAAATGCATTCAAAAACTCTTCTCAGTGCATCCCCAGGGCTCTGAGG-3'
Protein context (NP_057191.2, residues 971-991): VFECISSGII[Leu981Val]KGSPGLLDPC